The following is an entry in ClinVar:

ClinVar aggregate classification (germline): Conflicting classifications of pathogenicity. Review status: criteria provided, conflicting classifications (1 of 4 stars). 4 submissions from 3 submitters: Uncertain significance (3); Likely benign (1). Last evaluated 2026-04-20.

Conditions:
Mitochondrial complex I deficiency, nuclear type 1. Also called: NADH-COENZYME Q REDUCTASE DEFICIENCY; MITOCHONDRIAL NADH DEHYDROGENASE COMPONENT OF COMPLEX I, DEFICIENCY OF. Identifiers: MedGen C6022305, MONDO:0100224, OMIM 252010.
Inborn genetic diseases. Identifiers: MedGen C0950123, MeSH D030342.
Leigh syndrome (NULS). Also called: Leigh's syndrome; Leigh's necrotizing encephalopathy; Leigh's disease; Leigh Syndrome (mtDNA deletion); Leigh Disease; Subacute necrotizing encephalopathy. Identifiers: Orphanet 506, MedGen C2931891, MONDO:0009723, OMIM 256000.

Allele frequency attached by ClinVar (database versions not stated): gnomAD exomes 0.00003 and 0.00019; TOPMed 0.00009; gnomAD 0.00006; ExAC 0.00013.

Submissions (4):

GeneDx
Classification: Uncertain significance. Last evaluated: 2026-04-20. Review status: criteria provided, single submitter. Criteria: GeneDx Variant Classification Process June 2021. Collection method: clinical testing. Allele origin: germline.
Comment: Reported in an individual with Parkinson's disease who underwent whole exome sequencing; additional details were not provided (PMID: 41141616); In silico analysis suggests that this missense variant does not alter protein structure/function; This variant is associated with the following publications: (PMID: 41141616)

Ambry Genetics
Classification: Likely benign for Inborn genetic diseases. Last evaluated: 2022-09-13. Review status: criteria provided, single submitter. Criteria: Ambry Variant Classification Scheme 2023. Collection method: clinical testing. Allele origin: germline.

Illumina Laboratory Services, Illumina
Classification: Uncertain significance for Leigh syndrome. Last evaluated: 2018-01-13. Review status: criteria provided, single submitter. Criteria: ICSL Variant Classification Criteria 13 December 2019. Collection method: clinical testing. Allele origin: germline.

Illumina Laboratory Services, Illumina
Classification: Uncertain significance for Mitochondrial complex I deficiency, nuclear type 1. Last evaluated: 2018-01-13. Review status: criteria provided, single submitter. Criteria: ICSL Variant Classification Criteria 13 December 2019. Collection method: clinical testing. Allele origin: germline.

NM_005006.7(NDUFS1):c.1969G>A (p.Asp657Asn)

Gene: NDUFS1 (NADH:ubiquinone oxidoreductase core subunit S1; minus strand). Cytogenetic location: 2q33.3.
Variant type: single nucleotide variant.
Coding change: c.1969G>A on transcript NM_005006.7 (MANE Select); coding-DNA position 1969, G replaced by A.
Protein change: p.Asp657Asn; replaces aspartic acid 657 with asparagine.
Molecular consequence: missense variant.
Genome position (GRCh38, 1-based): chr2:206,126,760, C>T on the plus strand (G>A on the coding strand, the complement: NDUFS1 is on the minus strand). VCF-style: chr2-206126760-C-T. GRCh37 (hg19) VCF-style: chr2-206991484-C-T.
Other names: c.1969G>A (NM_005006.5); c.1861G>A, p.Asp621Asn (NM_001199981.2); c.1636G>A, p.Asp546Asn (NM_001199982.2); c.1798G>A, p.Asp600Asn (NM_001199983.2); c.2011G>A, p.Asp671Asn (NM_001199984.2); short protein forms D546N, D600N, D621N, D671N, D657N.
Identifiers: ClinVar variation 894804 (VCV000894804.7), dbSNP rs769276632, ClinGen allele CA2070312.